The following is an entry in ClinVar:

NM_152743.4(BRAT1):c.1267G>A (p.Val423Ile)

Gene: BRAT1 (BRCA1 associated ATM activator 1; minus strand). Cytogenetic location: 7p22.3.
Variant type: single nucleotide variant.
Coding change: c.1267G>A on transcript NM_152743.4 (MANE Select); coding-DNA position 1267, G replaced by A.
Protein change: p.Val423Ile; replaces valine 423 with isoleucine.
Molecular consequence: missense variant. On other transcripts: non-coding transcript variant (1).
Genome position (GRCh38, 1-based): chr7:2,541,352, C>T on the plus strand (G>A on the coding strand, the complement: BRAT1 is on the minus strand). VCF-style: chr7-2541352-C-T. GRCh37 (hg19) VCF-style: chr7-2580986-C-T.
Other names: c.1267G>A, p.Val423Ile (NM_001350626.2); c.742G>A, p.Val248Ile (NM_001350627.2); short protein forms V423I, V248I.
Identifiers: ClinVar variation 585486 (VCV000585486.35), dbSNP rs141807337, ClinGen allele CA4127858.

ClinVar aggregate classification (germline): Uncertain significance. Review status: criteria provided, multiple submitters, no conflicts (2 of 4 stars). 6 submissions from 6 submitters: Uncertain significance (6). Last evaluated 2025-03-16.

Conditions:
Inborn genetic diseases. Identifiers: MedGen C0950123, MeSH D030342.
Neonatal-onset encephalopathy with rigidity and seizures. Also called: Lethal neonatal spasticity-epileptic encephalopathy syndrome. Identifiers: Orphanet 435845, MedGen C3281029, MONDO:0013784, OMIM 614498.

Allele frequency attached by ClinVar (database versions not stated): TOPMed 0.00007; 1000 Genomes Project 30x 0.00016; 1000 Genomes Project 0.00020.

Submissions (6):

GeneDx
Classification: Uncertain significance. Last evaluated: 2025-03-16. Review status: criteria provided, single submitter. Criteria: GeneDx Variant Classification Process June 2021. Collection method: clinical testing. Allele origin: germline. Affected: yes.
Comment: In silico analysis indicates that this missense variant does not alter protein structure/function; Has not been previously published as pathogenic or benign to our knowledge

Ambry Genetics
Classification: Uncertain significance for Inborn genetic diseases. Last evaluated: 2024-11-25. Review status: criteria provided, single submitter. Criteria: Ambry Variant Classification Scheme 2023. Collection method: clinical testing. Allele origin: germline.

Revvity Omics, Revvity
Classification: Uncertain significance. Last evaluated: 2024-02-22. Review status: criteria provided, single submitter. Criteria: ACMG Guidelines, 2015. Collection method: clinical testing. Allele origin: germline.

CeGaT Center for Human Genetics Tuebingen
Classification: Uncertain significance. Last evaluated: 2023-01-01. Review status: criteria provided, single submitter. Criteria: CeGaT Center For Human Genetics Tuebingen Variant Classification Criteria Version 2. Collection method: clinical testing. Allele origin: germline. Affected: yes. Observed: 1 variant allele.
Comment: BRAT1: PM2, BP4

Labcorp Genetics (formerly Invitae), Labcorp
Classification: Uncertain significance for Neonatal-onset encephalopathy with rigidity and seizures. Last evaluated: 2022-10-14. Review status: criteria provided, single submitter. Criteria: Invitae Variant Classification Sherloc (09022015). Collection method: clinical testing. Allele origin: germline.
Comment: This sequence change replaces valine, which is neutral and non-polar, with isoleucine, which is neutral and non-polar, at codon 423 of the BRAT1 protein (p.Val423Ile). This variant is present in population databases (rs141807337, gnomAD 0.02%). This variant has not been reported in the literature in individuals affected with BRAT1-related conditions. ClinVar contains an entry for this variant (Variation ID: 585486). Advanced modeling of protein sequence and biophysical properties (such as structural, functional, and spatial information, amino acid conservation, physicochemical variation, residue mobility, and thermodynamic stability) performed at Invitae indicates that this missense variant is not expected to disrupt BRAT1 protein function. In summary, the available evidence is currently insufficient to determine the role of this variant in disease. Therefore, it has been classified as a Variant of Uncertain Significance.

Athena Diagnostics
Classification: Uncertain significance. Last evaluated: 2018-04-05. Review status: criteria provided, single submitter. Criteria: Athena Diagnostics Criteria. Collection method: clinical testing. Allele origin: germline.